The following is an entry in ClinVar:

NM_144997.7(FLCN):c.871+7C>A

Gene: FLCN (folliculin; minus strand). Cytogenetic location: 17p11.2.
Variant type: single nucleotide variant.
Coding change: c.871+7C>A on transcript NM_144997.7 (MANE Select); 7 bases into the intron after coding-DNA position 871, C replaced by A.
Molecular consequence: intron variant. On other transcripts: missense variant (1).
Genome position (GRCh38, 1-based): chr17:17,221,530, G>T on the plus strand (C>A on the coding strand, the complement: FLCN is on the minus strand). VCF-style: chr17-17221530-G-T. GRCh37 (hg19) VCF-style: chr17-17124844-G-T.
Other names: c.878C>A, p.Ala293Glu (NM_144606.7); c.871+7C>A (NM_001353231.2, NM_001353230.2); c.925+7C>A (NM_001353229.2); short protein forms A293E.
Identifiers: ClinVar variation 3660749 (VCV003660749.3).

ClinVar aggregate classification (germline): Likely benign. Review status: criteria provided, multiple submitters, no conflicts (2 of 4 stars). 2 submissions from 2 submitters: Likely benign (2). Last evaluated 2024-10-23.

Conditions:
Birt-Hogg-Dube syndrome 1 (BHD1). Also called: FIBROFOLLICULOMAS WITH TRICHODISCOMAS AND ACROCHORDONS. Identifiers: Orphanet 122, MedGen CN375946, MONDO:0800445, OMIM 135150.
Birt-Hogg-Dube syndrome. Also called: Birt Hogg Dubé syndrome. Identifiers: Orphanet 122, MedGen C0346010, MONDO:0800444.

gnomAD v4.1: 1 of 1,613,500 alleles (0.000062%); highest among the groups gnomAD compares: Non-Finnish European, 0.000085%; no homozygotes.

Submissions (2):

Myriad Genetics, Inc.
Classification: Likely benign for Birt-Hogg-Dube syndrome 1. Last evaluated: 2024-10-23. Review status: criteria provided, single submitter. Criteria: Myriad Autosomal Dominant, Autosomal Recessive and X-Linked Classification Criteria (2023). Collection method: clinical testing. Allele origin: unknown.
Comment: This variant is considered likely benign. This variant is intronic and is not expected to impact mRNA splicing.

Labcorp Genetics (formerly Invitae), Labcorp
Classification: Likely benign for Birt-Hogg-Dube syndrome. Last evaluated: 2024-10-07. Review status: criteria provided, single submitter. Criteria: Invitae Variant Classification Sherloc (09022015). Collection method: clinical testing. Allele origin: germline.